The following is an entry in ClinVar:

ClinVar aggregate classification (germline): Benign (1 of 4 stars; one submission).

Conditions:
Hereditary factor IX deficiency disease (HEMB). Also called: F9 DEFICIENCY; FACTOR IX DEFICIENCY; PLASMA THROMBOPLASTIN COMPONENT DEFICIENCY; Hemophilia B; Christmas Disease. Identifiers: Orphanet 98879, MedGen C0008533, MeSH D002836, MONDO:0010604, OMIM 306900.

Allele frequency attached by ClinVar (database versions not stated): gnomAD exomes 0.00022; TOPMed 0.00048; gnomAD 0.00052 and 0.00056; 1000 Genomes Project 0.00079; 1000 Genomes Project 30x 0.00166.
gnomAD v4.1: 64 of 116,279 alleles (0.055%); highest among the groups gnomAD compares: South Asian, 0.1%; no homozygotes.

Submission:

Illumina Laboratory Services, Illumina
Classification: Benign for Hereditary factor IX deficiency disease. Last evaluated: 2018-01-12. Review status: criteria provided, single submitter. Criteria: ICSL Variant Classification Criteria 13 December 2019. Collection method: clinical testing. Allele origin: germline.
Comment: This variant was observed in the ICSL laboratory as part of a predisposition screen in an ostensibly healthy population. It had not been previously curated by ICSL or reported in the Human Gene Mutation Database (HGMD: prior to June 1st, 2018), and was therefore a candidate for classification through an automated scoring system. Utilizing variant allele frequency, disease prevalence and penetrance estimates, and inheritance mode, an automated score was calculated to assess if this variant is too frequent to cause the disease. Based on the score and internal cut-off values, a variant classified as benign is not then subjected to further curation. The score for this variant resulted in a classification of benign for this disease.

NM_000133.4(F9):c.*476C>A

Gene: F9 (coagulation factor IX; plus strand). Cytogenetic location: Xq27.1.
Variant type: single nucleotide variant.
Coding change: c.*476C>A on transcript NM_000133.4 (MANE Select); 476 bases downstream of the stop codon, C replaced by A.
Molecular consequence: 3 prime UTR variant.
Genome position (GRCh38, 1-based): chrX:139,562,547, C>A. VCF-style: chrX-139562547-C-A. GRCh37 (hg19) VCF-style: chrX-138644706-C-A.
Other names: c.*476C>A (NM_001313913.2).
Identifiers: ClinVar variation 368007 (VCV000368007.5), dbSNP rs4149763, ClinGen allele CA10651736.